The following is an entry in ClinVar:

ClinVar aggregate classification (germline): Likely pathogenic (1 of 4 stars; one submission).

Allele frequency attached by ClinVar (database versions not stated): gnomAD exomes below 0.00001.
gnomAD v4.1: 2 of 1,614,152 alleles (0.00012%); highest among the groups gnomAD compares: Non-Finnish European, 0.00017%; no homozygotes.

Submission:

Labcorp Genetics (formerly Invitae), Labcorp
Classification: Likely pathogenic. Last evaluated: 2023-05-27. Review status: criteria provided, single submitter. Criteria: Invitae Variant Classification Sherloc (09022015). Collection method: clinical testing. Allele origin: germline.
Comment: This sequence change affects a donor splice site in intron 9 of the GFM1 gene. It is expected to disrupt RNA splicing. Variants that disrupt the donor or acceptor splice site typically lead to a loss of protein function (PMID: 16199547), and loss-of-function variants in GFM1 are known to be pathogenic (PMID: 16632485, 17160893). This variant is not present in population databases (gnomAD no frequency). This variant has not been reported in the literature in individuals affected with GFM1-related conditions. Algorithms developed to predict the effect of sequence changes on RNA splicing suggest that this variant may disrupt the consensus splice site. In summary, the currently available evidence indicates that the variant is pathogenic, but additional data are needed to prove that conclusively. Therefore, this variant has been classified as Likely Pathogenic.

Literature cited by the submitters: PubMed 16199547; PubMed 16632485; PubMed 17160893.

NM_024996.7(GFM1):c.1221+1G>A

Gene: GFM1 (G elongation factor mitochondrial 1; plus strand). Cytogenetic location: 3q25.32.
Variant type: single nucleotide variant.
Coding change: c.1221+1G>A on transcript NM_024996.7 (MANE Select); the canonical splice donor site of the intron after coding-DNA position 1221, G replaced by A.
Molecular consequence: splice donor variant. On other transcripts: intron variant (1).
Genome position (GRCh38, 1-based): chr3:158,659,060, G>A. VCF-style: chr3-158659060-G-A. GRCh37 (hg19) VCF-style: chr3-158376849-G-A.
Other names: c.1278+1G>A (NM_001308164.2); c.996+1G>A (NM_001374357.1); c.1141-1814G>A (NM_001374355.1); c.1104+1G>A (NM_001374356.1); c.654+1G>A (NM_001374359.1, NM_001374360.1); c.537+1G>A (NM_001374361.1); c.762+1G>A (NM_001374358.1); c.1221+1G>A (NM_001308166.2).
Identifiers: ClinVar variation 2861769 (VCV002861769.3), dbSNP rs2473986237, ClinGen allele CA355177786.